The following is an entry in ClinVar:

NM_057176.3(BSND):c.409G>C (p.Gly137Arg)

Gene: BSND (barttin CLCNK type accessory subunit beta; plus strand). Cytogenetic location: 1p32.3.
Variant type: single nucleotide variant.
Coding change: c.409G>C on transcript NM_057176.3 (MANE Select); coding-DNA position 409, G replaced by C.
Protein change: p.Gly137Arg; replaces glycine 137 with arginine.
Molecular consequence: missense variant.
Genome position (GRCh38, 1-based): chr1:55,007,133, G>C. VCF-style: chr1-55007133-G-C. GRCh37 (hg19) VCF-style: chr1-55472806-G-C.
Other names: short protein forms G137R.
Identifiers: ClinVar variation 228461 (VCV000228461.5), dbSNP rs749600956, ClinGen allele CA10576429.
Genomic context (GRCh38, chr1:55,007,133, plus strand): 5'-ATCCAGATGAAAGTCATGAGCTACAGTGAGGACCACCGCTCCTTGCTGGCCCCTGAGATG[G>C]GGCAGCCGAAGCTGGGAACCAGTGATGGAGGAGAAGGTGGCCCTGGCGACGTTCAGGCCT-3'
Protein context (NP_476517.1, residues 127-147): DHRSLLAPEM[Gly137Arg]QPKLGTSDGG

ClinVar aggregate classification (germline): Uncertain significance. Review status: criteria provided, single submitter (1 of 4 stars). 2 submissions from 2 submitters: Uncertain significance (1). 1 of the submissions does not count toward it. Last evaluated 2015-05-03.

Conditions:
Bartter syndrome. Identifiers: Orphanet 112, MedGen C0004775, MONDO:0015231.

Allele frequency attached by ClinVar (database versions not stated): TOPMed 0.00001.
gnomAD v4.1: 12 of 1,614,070 alleles (0.00074%); highest among the groups gnomAD compares: South Asian, 0.0022%; no homozygotes.

Submissions (2):

Laboratory for Molecular Medicine, Mass General Brigham Personalized Medicine
Classification: Uncertain significance. Last evaluated: 2015-05-03. Review status: criteria provided, single submitter. Criteria: LMM Criteria. Collection method: clinical testing. Allele origin: germline. Observed: 1 variant allele.
Comment: The p.Gly137Arg variant in BSND has not been previously reported in individuals with hearing loss and was absent from large population studies. Computational pr ediction tools and conservation analysis suggest that the variant may not impact the protein, though this information is not predictive enough to rule out patho genicity. In summary, the clinical significance of the p.Gly137Arg variant is un certain.

Natera, Inc.
Classification: Uncertain significance for Bartter syndrome. Last evaluated: 2021-09-03. Review status: no assertion criteria provided. Collection method: clinical testing. Allele origin: germline. Not counted in ClinVar's aggregate classification.